The following is an entry in ClinVar:

ClinVar aggregate classification (germline): Uncertain significance (1 of 4 stars; one submission).

Conditions:
Hereditary cancer-predisposing syndrome. Also called: Neoplastic Syndromes, Hereditary; Tumor predisposition; Hereditary Cancer Syndrome; Hereditary neoplastic syndrome. Identifiers: Orphanet 140162, MedGen C0027672, MeSH D009386, MONDO:0015356.

Submission:

Ambry Genetics
Classification: Uncertain significance for Hereditary cancer-predisposing syndrome. Last evaluated: 2024-08-20. Review status: criteria provided, single submitter. Criteria: Ambry Variant Classification Scheme 2023. Collection method: clinical testing. Allele origin: germline.
Comment: The p.R67L variant (also known as c.200G>T), located in coding exon 2 of the RET gene, results from a G to T substitution at nucleotide position 200. The arginine at codon 67 is replaced by leucine, an amino acid with dissimilar properties. This amino acid position is not well conserved in available vertebrate species. In addition, this alteration is predicted to be tolerated by in silico analysis. Based on the available evidence, the clinical significance of this variant remains unclear.

NM_020975.6(RET):c.200G>T (p.Arg67Leu)

Gene: RET (ret proto-oncogene; plus strand). Cytogenetic location: 10q11.21.
Variant type: single nucleotide variant.
Coding change: c.200G>T on transcript NM_020975.6 (MANE Select); coding-DNA position 200, G replaced by T.
Protein change: p.Arg67Leu; replaces arginine 67 with leucine.
Molecular consequence: missense variant. On other transcripts: intron variant (4).
Genome position (GRCh38, 1-based): chr10:43,100,585, G>T. VCF-style: chr10-43100585-G-T. GRCh37 (hg19) VCF-style: chr10-43596033-G-T.
Other names: c.200G>T, p.Arg67Leu (NM_001406743.1, NM_001406744.1, NM_001406759.1 and 32 more transcripts); c.74-8446G>T (NM_001406784.1); c.74-11514G>T (NM_001406794.1, NM_001406792.1, NM_001406793.1); short protein forms R67L.
Identifiers: ClinVar variation 3432222 (VCV003432222.1).